The following is an entry in ClinVar:

ClinVar aggregate classification (germline): Uncertain significance (1 of 4 stars; one submission).

Submission:

Labcorp Genetics (formerly Invitae), Labcorp
Classification: Uncertain significance. Last evaluated: 2024-08-27. Review status: criteria provided, single submitter. Criteria: Invitae Variant Classification Sherloc (09022015). Collection method: clinical testing. Allele origin: germline.
Comment: This variant, c.200_256del, results in the deletion of 19 amino acid(s) of the HMX1 protein (p.Arg67_Ala85del), but otherwise preserves the integrity of the reading frame. This variant is present in population databases (no rsID available, gnomAD 0.007%). This variant has not been reported in the literature in individuals affected with HMX1-related conditions. ClinVar contains an entry for this variant (Variation ID: 848203). Experimental studies and prediction algorithms are not available or were not evaluated, and the functional significance of this variant is currently unknown. In summary, the available evidence is currently insufficient to determine the role of this variant in disease. Therefore, it has been classified as a Variant of Uncertain Significance.

NM_018942.3(HMX1):c.200_256del (p.Arg67_Ala85del)

Gene: HMX1 (H6 family homeobox 1; minus strand). Cytogenetic location: 4p16.1.
Variant type: Deletion.
Coding change: c.200_256del on transcript NM_018942.3 (MANE Select); coding-DNA positions 200 to 256, 57 bases deleted.
Protein change: p.Arg67_Ala85del.
Molecular consequence: inframe deletion.
Genome position (GRCh38, 1-based): chr4:8,871,359-8,871,415, 57 bases deleted. GRCh37 (hg19): chr4:8,873,087-8,873,143.
Other names: c.200_256del, p.Arg67_Ala85del (NM_001306142.2).
Identifiers: ClinVar variation 848203 (VCV000848203.6), dbSNP rs1560187718, ClinGen allele CA549711957.